The following is an entry in ClinVar:

ClinVar aggregate classification (germline): Uncertain significance (1 of 4 stars; one submission).

Allele frequency attached by ClinVar (database versions not stated): gnomAD exomes below 0.00001; TOPMed below 0.00001; gnomAD 0.00001.
gnomAD v4.1: 2 of 1,613,936 alleles (0.00012%); highest among the groups gnomAD compares: Admixed American, 0.0017%; no homozygotes.

Submission:

Ambry Genetics
Classification: Uncertain significance. Last evaluated: 2023-06-14. Review status: criteria provided, single submitter. Criteria: Ambry Variant Classification Scheme 2023. Collection method: clinical testing. Allele origin: germline.
Comment: The p.S875P variant (also known as c.2623T>C), located in coding exon 17 of the CTNNA3 gene, results from a T to C substitution at nucleotide position 2623. The serine at codon 875 is replaced by proline, an amino acid with similar properties. This amino acid position is conserved. In addition, this alteration is predicted to be deleterious by in silico analysis. Since supporting evidence is limited at this time, the clinical significance of this alteration remains unclear.

NM_013266.4(CTNNA3):c.2623T>C (p.Ser875Pro)

Gene: CTNNA3 (catenin alpha 3; minus strand). Cytogenetic location: 10q21.3.
Variant type: single nucleotide variant.
Coding change: c.2623T>C on transcript NM_013266.4 (MANE Select); coding-DNA position 2623, T replaced by C.
Protein change: p.Ser875Pro; replaces serine 875 with proline.
Molecular consequence: missense variant.
Genome position (GRCh38, 1-based): chr10:65,920,395, A>G on the plus strand (T>C on the coding strand, the complement: CTNNA3 is on the minus strand). VCF-style: chr10-65920395-A-G. GRCh37 (hg19) VCF-style: chr10-67680153-A-G.
Other names: c.2623T>C, p.Ser875Pro (NM_001127384.3); short protein forms S875P.
Identifiers: ClinVar variation 2564951 (VCV002564951.2), dbSNP rs2077064377, ClinGen allele CA377088720.